The following is an entry in ClinVar:

NM_139276.3(STAT3):c.1064T>G (p.Phe355Cys)

Gene: STAT3 (signal transducer and activator of transcription 3; minus strand). Cytogenetic location: 17q21.2.
Variant type: single nucleotide variant.
Coding change: c.1064T>G on transcript NM_139276.3 (MANE Select); coding-DNA position 1064, T replaced by G.
Protein change: p.Phe355Cys; replaces phenylalanine 355 with cysteine.
Molecular consequence: missense variant.
Genome position (GRCh38, 1-based): chr17:42,331,517, A>C on the plus strand (T>G on the coding strand, the complement: STAT3 is on the minus strand). VCF-style: chr17-42331517-A-C. GRCh37 (hg19) VCF-style: chr17-40483535-A-C.
Other names: c.1064T>G, p.Phe355Cys (NM_001369512.1, NM_001369513.1, NM_001369514.1 and 7 more transcripts); short protein forms F355C.
Identifiers: ClinVar variation 933405 (VCV000933405.10), dbSNP rs2082009323, ClinGen allele CA399590088.

ClinVar aggregate classification (germline): Uncertain significance (1 of 4 stars; one submission).

Conditions:
Hyper-IgE recurrent infection syndrome 1, autosomal dominant. Also called: STAT3 Hyper IgE Syndrome; JOB SYNDROME; Hyper-IgE recurrent infection syndrome 1; HYPER-IgE SYNDROME 1, AUTOSOMAL DOMINANT, WITH RECURRENT INFECTIONS; Job's Syndrome. Identifiers: Orphanet 2314, MedGen C2936739, MONDO:0007818, OMIM 147060.
STAT3 gain of function. Identifiers: MedGen C4288261.

Submission:

Labcorp Genetics (formerly Invitae), Labcorp
Classification: Uncertain significance for STAT3 gain of function; Hyper-IgE recurrent infection syndrome 1, autosomal dominant. Last evaluated: 2019-09-05. Review status: criteria provided, single submitter. Criteria: Invitae Variant Classification Sherloc (09022015). Collection method: clinical testing. Allele origin: germline.
Comment: In summary, the available evidence is currently insufficient to determine the role of this variant in disease. Therefore, it has been classified as a Variant of Uncertain Significance. Algorithms developed to predict the effect of missense changes on protein structure and function are either unavailable or do not agree on the potential impact of this missense change (SIFT: "Tolerated"; PolyPhen-2: "Probably Damaging"; Align-GVGD: "Class C0"). This sequence change replaces phenylalanine with cysteine at codon 355 of the STAT3 protein (p.Phe355Cys). The phenylalanine residue is moderately conserved and there is a large physicochemical difference between phenylalanine and cysteine. This variant is not present in population databases (ExAC no frequency). This variant has not been reported in the literature in individuals with STAT3-related conditions.